The following is an entry in ClinVar:

ClinVar aggregate classification (germline): Uncertain significance. Review status: criteria provided, single submitter (1 of 4 stars). 2 submissions from 2 submitters: Uncertain significance (1). 1 of the submissions does not count toward it. Last evaluated 2025-08-25.

Conditions:
PLXNA1-related disorder. Also called: PLXNA1-related condition.

gnomAD v4.1: 31 of 1,612,176 alleles (0.0019%); highest among the groups gnomAD compares: East Asian, 0.0045%; no homozygotes.

Submissions (2):

Ambry Genetics
Classification: Uncertain significance. Last evaluated: 2025-08-25. Review status: criteria provided, single submitter. Criteria: Ambry Variant Classification Scheme 2023. Collection method: clinical testing. Allele origin: germline.

PreventionGenetics, part of Exact Sciences
Classification: Uncertain significance for PLXNA1-related condition. Last evaluated: 2024-07-08. Review status: no assertion criteria provided. Collection method: clinical testing. Allele origin: germline. Not counted in ClinVar's aggregate classification.
Comment: The PLXNA1 c.3659C>T variant is predicted to result in the amino acid substitution p.Thr1220Met. To our knowledge, this variant has not been reported in the literature. This variant is reported in 0.011% of alleles in individuals of East Asian descent in gnomAD. At this time, the clinical significance of this variant is uncertain due to the absence of conclusive functional and genetic evidence.

NM_032242.4(PLXNA1):c.3659C>T (p.Thr1220Met)

Gene: PLXNA1 (plexin A1; plus strand). Cytogenetic location: 3q21.3.
Variant type: single nucleotide variant.
Coding change: c.3659C>T on transcript NM_032242.4 (MANE Select); coding-DNA position 3659, C replaced by T.
Protein change: p.Thr1220Met; replaces threonine 1220 with methionine.
Molecular consequence: missense variant.
Genome position (GRCh38, 1-based): chr3:127,017,891, C>T. VCF-style: chr3-127017891-C-T. GRCh37 (hg19) VCF-style: chr3-126736734-C-T.
Other names: short protein forms T1220M.
Identifiers: ClinVar variation 3353842 (VCV003353842.2).